The following is an entry in ClinVar:

ClinVar aggregate classification (germline): Likely benign (0 of 4 stars; one submission).

Conditions:
DNAH2-related disorder. Also called: DNAH2-related condition.

Allele frequency attached by ClinVar (database versions not stated): ESP Exome Variant Server 0.00008; 1000 Genomes Project 30x 0.00016.
gnomAD v4.1: 12 of 1,610,902 alleles (0.00074%); highest among the groups gnomAD compares: East Asian, 0.0022%; no homozygotes.

Submission:

PreventionGenetics, part of Exact Sciences
Classification: Likely benign for DNAH2-related condition. Last evaluated: 2020-02-26. Review status: no assertion criteria provided. Collection method: clinical testing. Allele origin: germline.
Comment: This variant is classified as likely benign based on ACMG/AMP sequence variant interpretation guidelines (Richards et al. 2015 PMID: 25741868, with internal and published modifications).

NM_020877.5(DNAH2):c.7569+9C>T

Gene: DNAH2 (dynein axonemal heavy chain 2; plus strand). Cytogenetic location: 17p13.1.
Variant type: single nucleotide variant.
Coding change: c.7569+9C>T on transcript NM_020877.5 (MANE Select); 9 bases into the intron after coding-DNA position 7569, C replaced by T.
Molecular consequence: intron variant.
Genome position (GRCh38, 1-based): chr17:7,793,214, C>T. VCF-style: chr17-7793214-C-T. GRCh37 (hg19) VCF-style: chr17-7696532-C-T.
Identifiers: ClinVar variation 3051751 (VCV003051751.2), dbSNP rs199801210, ClinGen allele CA8358114.